The following is an entry in ClinVar:

NM_000836.4(GRIN2D):c.3130C>T (p.Pro1044Ser)

Gene: GRIN2D (glutamate ionotropic receptor NMDA type subunit 2D; plus strand). Cytogenetic location: 19q13.33.
Variant type: single nucleotide variant.
Coding change: c.3130C>T on transcript NM_000836.4 (MANE Select); coding-DNA position 3130, C replaced by T.
Protein change: p.Pro1044Ser; replaces proline 1044 with serine.
Molecular consequence: missense variant.
Genome position (GRCh38, 1-based): chr19:48,443,056, C>T. VCF-style: chr19-48443056-C-T. GRCh37 (hg19) VCF-style: chr19-48946313-C-T.
Other names: short protein forms P1044S.
Identifiers: ClinVar variation 3636282 (VCV003636282.2).
Genomic context (GRCh38, chr19:48,443,056, plus strand): 5'-TTCCCCGGCTTCCCGTCGCCGCCCGCGCCCCCCGCCGCCGCGGCCACCGCCGTCGGGCCG[C>T]CACTCTGCCGCTTGGCCTTCGAGGACGAGAGCCCGCCGGCGCCCGCGCGGTGGCCGCGCT-3'
Protein context (NP_000827.2, residues 1034-1054): PAAAATAVGP[Pro1044Ser]LCRLAFEDES

ClinVar aggregate classification (germline): Uncertain significance (1 of 4 stars; one submission).

Submission:

Labcorp Genetics (formerly Invitae), Labcorp
Classification: Uncertain significance. Last evaluated: 2024-06-15. Review status: criteria provided, single submitter. Criteria: Invitae Variant Classification Sherloc (09022015). Collection method: clinical testing. Allele origin: germline.
Comment: This sequence change replaces proline, which is neutral and non-polar, with serine, which is neutral and polar, at codon 1044 of the GRIN2D protein (p.Pro1044Ser). The frequency data for this variant in the population databases is considered unreliable, as metrics indicate insufficient coverage at this position in the gnomAD database. This variant has not been reported in the literature in individuals affected with GRIN2D-related conditions. Advanced modeling of protein sequence and biophysical properties (such as structural, functional, and spatial information, amino acid conservation, physicochemical variation, residue mobility, and thermodynamic stability) performed at Invitae indicates that this missense variant is not expected to disrupt GRIN2D protein function with a negative predictive value of 95%. In summary, the available evidence is currently insufficient to determine the role of this variant in disease. Therefore, it has been classified as a Variant of Uncertain Significance.